The following is an entry in ClinVar:

ClinVar aggregate classification (germline): Uncertain significance. Review status: criteria provided, multiple submitters, no conflicts (2 of 4 stars). 2 submissions from 2 submitters: Uncertain significance (2). Last evaluated 2025-11-08.

Conditions:
Inborn genetic diseases. Identifiers: MedGen C0950123, MeSH D030342.

Allele frequency attached by ClinVar (database versions not stated): gnomAD 0.00001; gnomAD exomes 0.00001; TOPMed 0.00001; ExAC 0.00002.
gnomAD v4.1: 16 of 1,613,978 alleles (0.00099%); highest among the groups gnomAD compares: South Asian, 0.0077%; no homozygotes.

Submissions (2):

Ambry Genetics
Classification: Uncertain significance for Inborn genetic diseases. Last evaluated: 2025-11-08. Review status: criteria provided, single submitter. Criteria: Ambry Variant Classification Scheme 2023. Collection method: clinical testing. Allele origin: germline.

Labcorp Genetics (formerly Invitae), Labcorp
Classification: Uncertain significance. Last evaluated: 2024-12-16. Review status: criteria provided, single submitter. Criteria: Invitae Variant Classification Sherloc (09022015). Collection method: clinical testing. Allele origin: germline.
Comment: This sequence change replaces proline, which is neutral and non-polar, with leucine, which is neutral and non-polar, at codon 484 of the SLC16A1 protein (p.Pro484Leu). This variant is present in population databases (rs767509828, gnomAD 0.006%). This variant has not been reported in the literature in individuals affected with SLC16A1-related conditions. ClinVar contains an entry for this variant (Variation ID: 2191901). An algorithm developed to predict the effect of missense changes on protein structure and function outputs the following: PolyPhen-2: "Benign". The leucine amino acid residue is found in multiple mammalian species, which suggests that this missense change does not adversely affect protein function. In summary, the available evidence is currently insufficient to determine the role of this variant in disease. Therefore, it has been classified as a Variant of Uncertain Significance.

NM_003051.4(SLC16A1):c.1451C>T (p.Pro484Leu)

Gene: SLC16A1 (solute carrier family 16 member 1; minus strand). Cytogenetic location: 1p13.2.
Variant type: single nucleotide variant.
Coding change: c.1451C>T on transcript NM_003051.4 (MANE Select); coding-DNA position 1451, C replaced by T.
Protein change: p.Pro484Leu; replaces proline 484 with leucine.
Molecular consequence: missense variant.
Genome position (GRCh38, 1-based): chr1:112,913,943, G>A on the plus strand (C>T on the coding strand, the complement: SLC16A1 is on the minus strand). VCF-style: chr1-112913943-G-A. GRCh37 (hg19) VCF-style: chr1-113456565-G-A.
Other names: c.1451C>T, p.Pro484Leu (NM_001166496.2); c.1451C>T (NM_003051.3); short protein forms P484L.
Identifiers: ClinVar variation 2191901 (VCV002191901.5), dbSNP rs767509828, ClinGen allele CA1011241.